The following is an entry in ClinVar:

NM_024757.5(EHMT1):c.2843G>A (p.Arg948Gln)

Gene: EHMT1 (euchromatic histone lysine methyltransferase 1; plus strand). Cytogenetic location: 9q34.3.
Variant type: single nucleotide variant.
Coding change: c.2843G>A on transcript NM_024757.5 (MANE Select); coding-DNA position 2843, G replaced by A.
Protein change: p.Arg948Gln; replaces arginine 948 with glutamine.
Molecular consequence: missense variant.
Genome position (GRCh38, 1-based): chr9:137,811,591, G>A. VCF-style: chr9-137811591-G-A. GRCh37 (hg19) VCF-style: chr9-140706043-G-A.
Other names: c.2822G>A, p.Arg941Gln (NM_001354263.2); short protein forms R941Q, R948Q.
Identifiers: ClinVar variation 1308462 (VCV001308462.2), dbSNP rs758210139, ClinGen allele CA5375076.

ClinVar aggregate classification (germline): Uncertain significance (1 of 4 stars; one submission).

Allele frequency attached by ClinVar (database versions not stated): gnomAD exomes below 0.00001; ExAC 0.00001.
gnomAD v4.1: 3 of 1,603,912 alleles (0.00019%); highest among the groups gnomAD compares: Non-Finnish European, 0.00017%; no homozygotes.

Submission:

GeneDx
Classification: Uncertain significance. Last evaluated: 2019-04-04. Review status: criteria provided, single submitter. Criteria: GeneDx Variant Classification Process June 2021. Collection method: clinical testing. Allele origin: germline. Affected: yes.
Comment: De novo variant with confirmed parentage; Has not been previously published as pathogenic or benign to our knowledge; In silico analysis, which includes protein predictors and evolutionary conservation, supports a deleterious effect